The following is an entry in ClinVar:

ClinVar aggregate classification (germline): Uncertain significance (1 of 4 stars; one submission).

Conditions:
Hereditary sensory and autonomic neuropathy type 6. Also called: Neuropathy, hereditary sensory and autonomic, type VI; HSAN VI. Identifiers: Orphanet 314381, MedGen C3539003, MONDO:0013839, OMIM 614653.
Epidermolysis bullosa simplex 3, localized or generalized intermediate, with BP230 deficiency (EBS3). Also called: Epidermolysis bullosa simplex, autosomal recessive 2; Epidermolysis bullosa simplex due to BP230 deficiency. Identifiers: Orphanet 412181, MedGen C3809470, MONDO:0014180, OMIM 615425.

Submission:

Labcorp Genetics (formerly Invitae), Labcorp
Classification: Uncertain significance for Epidermolysis bullosa simplex 3, localized or generalized intermediate, with BP230 deficiency; Hereditary sensory and autonomic neuropathy type 6. Last evaluated: 2023-12-30. Review status: criteria provided, single submitter. Criteria: Invitae Variant Classification Sherloc (09022015). Collection method: clinical testing. Allele origin: germline.
Comment: The DST gene has multiple clinically relevant transcripts. This variant occurs in alternate transcript NM_015548.4, and corresponds to NM_001723.5:c.*113877T>A in the primary transcript. This sequence change replaces histidine, which is basic and polar, with glutamine, which is neutral and polar, at codon 3917 of the DST protein (p.His3917Gln). This variant is not present in population databases (gnomAD no frequency). This variant has not been reported in the literature in individuals affected with DST-related conditions. Experimental studies and prediction algorithms are not available or were not evaluated, and the functional significance of this variant is currently unknown. In summary, the available evidence is currently insufficient to determine the role of this variant in disease. Therefore, it has been classified as a Variant of Uncertain Significance.

NM_001374736.1(DST):c.19620T>A (p.His6540Gln)

Gene: DST (dystonin; minus strand). Cytogenetic location: 6p12.1.
Variant type: single nucleotide variant.
Coding change: c.19620T>A on transcript NM_001374736.1 (MANE Select); coding-DNA position 19620, T replaced by A.
Protein change: p.His6540Gln; replaces histidine 6540 with glutamine.
Molecular consequence: missense variant.
Genome position (GRCh38, 1-based): chr6:56,501,640, A>T on the plus strand (T>A on the coding strand, the complement: DST is on the minus strand). VCF-style: chr6-56501640-A-T. GRCh37 (hg19) VCF-style: chr6-56366438-A-T.
Other names: c.13263T>A, p.His4421Gln (NM_001144769.5); c.12849T>A, p.His4283Gln (NM_001144770.2); c.19620T>A, p.His6540Gln (NM_001374722.1); c.18660T>A, p.His6220Gln (NM_001374729.1); c.12402T>A, p.His4134Gln (NM_001374730.1); c.19647T>A, p.His6549Gln (NM_001374734.1); c.12729T>A, p.His4243Gln (NM_001386100.1, NM_183380.4); c.11751T>A, p.His3917Gln (NM_015548.5); short protein forms H3917Q, H4243Q, H6540Q, H4421Q, H6220Q, H6549Q, H4134Q, H4283Q.
Identifiers: ClinVar variation 2921793 (VCV002921793.3), dbSNP rs2534158445, ClinGen allele CA364520638.